The following is an entry in ClinVar:

NM_006031.6(PCNT):c.7230A>G (p.Ser2410=)

Gene: PCNT (pericentrin; plus strand). Cytogenetic location: 21q22.3.
Variant type: single nucleotide variant.
Coding change: c.7230A>G on transcript NM_006031.6 (MANE Select); coding-DNA position 7230, A replaced by G.
Protein change: p.Ser2410=; no amino-acid change (serine 2410 retained).
Molecular consequence: synonymous variant.
Genome position (GRCh38, 1-based): chr21:46,425,881, A>G. VCF-style: chr21-46425881-A-G. GRCh37 (hg19) VCF-style: chr21-47845795-A-G.
Other names: c.6876A>G, p.Ser2292= (NM_001315529.2).
Identifiers: ClinVar variation 895832 (VCV000895832.8), dbSNP rs1292668105, ClinGen allele CA512739978.

ClinVar aggregate classification (germline): Conflicting classifications of pathogenicity. Review status: criteria provided, conflicting classifications (1 of 4 stars). 3 submissions from 3 submitters: Uncertain significance (1); Likely benign (2). Last evaluated 2026-04-21.

Conditions:
Microcephalic osteodysplastic primordial dwarfism type II (MOPD2). Also called: Microcephalic osteodysplastic primordial dwarfism with tooth abnormalities; MOPD II; OSTEODYSPLASTIC PRIMORDIAL DWARFISM, TYPE II. Identifiers: Orphanet 2637, MedGen C0432246, MONDO:0008872, OMIM 210720.
PCNT-related disorder. Also called: PCNT-related condition.

Allele frequency attached by ClinVar (database versions not stated): gnomAD 0.00001; TOPMed 0.00001.
gnomAD v4.1: 4 of 1,613,788 alleles (0.00025%); highest among the groups gnomAD compares: Non-Finnish European, 0.00034%; no homozygotes.

Submissions (3):

PreventionGenetics, part of Exact Sciences
Classification: Likely benign for PCNT-related condition. Last evaluated: 2026-04-21. Review status: criteria provided, single submitter. Criteria: ACMG Guidelines, 2015. Collection method: clinical testing. Allele origin: germline.
Comment: This variant is classified as likely benign based on ACMG/AMP sequence variant interpretation guidelines (Richards et al. 2015 PMID: 25741868, with internal and published modifications).

Labcorp Genetics (formerly Invitae), Labcorp
Classification: Likely benign. Last evaluated: 2023-07-28. Review status: criteria provided, single submitter. Criteria: Invitae Variant Classification Sherloc (09022015). Collection method: clinical testing. Allele origin: germline.

Illumina Laboratory Services, Illumina
Classification: Uncertain significance for Microcephalic osteodysplastic primordial dwarfism type II. Last evaluated: 2018-01-12. Review status: criteria provided, single submitter. Criteria: ICSL Variant Classification Criteria 13 December 2019. Collection method: clinical testing. Allele origin: germline.